The following is an entry in ClinVar:

ClinVar aggregate classification (germline): Pathogenic/Likely pathogenic. Review status: criteria provided, multiple submitters, no conflicts (2 of 4 stars). 4 submissions from 4 submitters: Pathogenic (2); Likely pathogenic (1). 1 of the submissions does not count toward it. Last evaluated 2024-05-16.

Conditions:
Autosomal recessive congenital ichthyosis 1 (LI1). Also called: ICHTHYOSIS CONGENITA; ICHTHYOSIS CONGENITA II; LAMELLAR EXFOLIATION OF NEWBORN; ICHTHYOSIS, CONGENITAL, AUTOSOMAL RECESSIVE 1, WITH BATHING SUIT DISTRIBUTION; ICHTHYOSIS, CONGENITAL, AUTOSOMAL RECESSIVE 1, WITH OR WITHOUT BATHING SUIT DISTRIBUTION; COLLODION FETUS. Identifiers: MedGen C4551630, MONDO:0009441, OMIM 242300.

Submissions (4):

Natera, Inc.
Classification: Pathogenic for Autosomal recessive congenital ichthyosis type 1. Last evaluated: 2024-05-16. Review status: criteria provided, single submitter. Criteria: Natera Variant Classification Schema (03/2026). Collection method: clinical testing. Allele origin: germline.
Comment: The c.679C>T variant in TGM1 is a nonsense variant predicted to introduce a stop codon at amino acid 227. This variant is expected to result in nonsense mediated decay, truncation, or a dysfunctional protein product. This variant is rare in the general population with a frequency below the threshold expected for the associated phenotype(s). This variant has been observed in one or more individuals affected with the associated recessive disease, as either homozygous or compound heterozygous with a second variant (PMID: 31168818). Given the available evidence, this variant is classified as Pathogenic.

Labcorp Genetics (formerly Invitae), Labcorp
Classification: Pathogenic. Last evaluated: 2024-02-09. Review status: criteria provided, single submitter. Criteria: Invitae Variant Classification Sherloc (09022015). Collection method: clinical testing. Allele origin: germline.
Comment: This sequence change creates a premature translational stop signal (p.Gln227*) in the TGM1 gene. It is expected to result in an absent or disrupted protein product. Loss-of-function variants in TGM1 are known to be pathogenic (PMID: 18948357, 19241467). This variant is not present in population databases (gnomAD no frequency). This premature translational stop signal has been observed in individual(s) with TGM1-related conditions (PMID: 18948357, 31168818). ClinVar contains an entry for this variant (Variation ID: 555912). For these reasons, this variant has been classified as Pathogenic.

Genome-Nilou Lab
Classification: Likely pathogenic for Autosomal recessive congenital ichthyosis 1. Review status: criteria provided, single submitter. Criteria: ACMG Guidelines, 2015. Collection method: clinical testing. Allele origin: germline.

Counsyl
Classification: Likely pathogenic for Autosomal recessive congenital ichthyosis 1. Last evaluated: 2018-01-03. Review status: no assertion criteria provided. Collection method: clinical testing. Allele origin: unknown. Not counted in ClinVar's aggregate classification.

Literature cited by the submitters: PubMed 31168818 (cited by Natera, Inc. and Labcorp Genetics (formerly Invitae), Labcorp); PubMed 18948357 (cited by Labcorp Genetics (formerly Invitae), Labcorp and Counsyl); PubMed 19241467 (cited by Labcorp Genetics (formerly Invitae), Labcorp and Counsyl); PubMed 25525159 (cited by Counsyl).

NM_000359.3(TGM1):c.679C>T (p.Gln227Ter)

Gene: TGM1 (transglutaminase 1; minus strand). Cytogenetic location: 14q12.
Variant type: single nucleotide variant.
Coding change: c.679C>T on transcript NM_000359.3 (MANE Select); coding-DNA position 679, C replaced by T.
Protein change: p.Gln227Ter; replaces glutamine 227 with a stop codon.
Molecular consequence: nonsense.
Genome position (GRCh38, 1-based): chr14:24,260,528, G>A on the plus strand (C>T on the coding strand, the complement: TGM1 is on the minus strand). VCF-style: chr14-24260528-G-A. GRCh37 (hg19) VCF-style: chr14-24729734-G-A.
Other names: short protein forms Q227*.
Identifiers: ClinVar variation 555912 (VCV000555912.11), dbSNP rs972054392, ClinGen allele CA389272427.